The following is an entry in ClinVar:

ClinVar aggregate classification (germline): Uncertain significance (1 of 4 stars; one submission).

Submission:

Labcorp Genetics (formerly Invitae), Labcorp
Classification: Uncertain significance. Last evaluated: 2022-08-22. Review status: criteria provided, single submitter. Criteria: Invitae Variant Classification Sherloc (09022015). Collection method: clinical testing. Allele origin: germline.
Comment: In summary, the available evidence is currently insufficient to determine the role of this variant in disease. Therefore, it has been classified as a Variant of Uncertain Significance. Experimental studies and prediction algorithms are not available or were not evaluated, and the functional significance of this variant is currently unknown. This variant has not been reported in the literature in individuals affected with ATR-related conditions. This variant is a gross deletion of the genomic region encompassing exon(s) 31-33 of the ATR gene. This variant would be expected to be in-frame, preserving the integrity of the reading frame.

NC_000003.11:g.(?_142215835)_(142218580_?)del

Gene: ATR (ATR serine/threonine kinase; minus strand). Cytogenetic location: 3q23.
Variant type: Deletion.
Identifiers: ClinVar variation 2423942 (VCV002423942.4).